The following is an entry in ClinVar:

ClinVar aggregate classification (germline): Uncertain significance. Review status: criteria provided, multiple submitters, no conflicts (2 of 4 stars). 3 submissions from 3 submitters: Uncertain significance (3). Last evaluated 2026-01-14.

Conditions:
Ullrich congenital muscular dystrophy 2 (UCMD2). Identifiers: Orphanet 75840, MedGen C4225314, MONDO:0014654, OMIM 616470.
Bethlem myopathy 2 (BTHLM2). Identifiers: Orphanet 536516, Orphanet 610, MedGen C4225313, MONDO:0034022, OMIM 616471.
Inborn genetic diseases. Identifiers: MedGen C0950123, MeSH D030342.

Allele frequency attached by ClinVar (database versions not stated): TOPMed 0.00001; gnomAD exomes 0.00001; ExAC 0.00002.
gnomAD v4.1: 18 of 1,614,096 alleles (0.0011%); highest among the groups gnomAD compares: Admixed American, 0.0033%; no homozygotes.

Submissions (3):

Labcorp Genetics (formerly Invitae), Labcorp
Classification: Uncertain significance for Bethlem myopathy 2; Ullrich congenital muscular dystrophy 2. Last evaluated: 2026-01-14. Review status: criteria provided, single submitter. Criteria: Invitae Variant Classification Sherloc (09022015). Collection method: clinical testing. Allele origin: germline.
Comment: This sequence change replaces proline, which is neutral and non-polar, with arginine, which is basic and polar, at codon 1958 of the COL12A1 protein (p.Pro1958Arg). This variant is present in population databases (rs755452261, gnomAD 0.002%). This variant has not been reported in the literature in individuals affected with COL12A1-related conditions. ClinVar contains an entry for this variant (Variation ID: 580676). Invitae Evidence Modeling of protein sequence and biophysical properties (such as structural, functional, and spatial information, amino acid conservation, physicochemical variation, residue mobility, and thermodynamic stability) indicates that this missense variant is not expected to disrupt COL12A1 protein function with a negative predictive value of 80%. In summary, the available evidence is currently insufficient to determine the role of this variant in disease. Therefore, it has been classified as a Variant of Uncertain Significance.

Ambry Genetics
Classification: Uncertain significance for Inborn genetic diseases. Last evaluated: 2023-02-23. Review status: criteria provided, single submitter. Criteria: Ambry Variant Classification Scheme 2023. Collection method: clinical testing. Allele origin: germline.

GeneDx
Classification: Uncertain significance. Last evaluated: 2022-06-15. Review status: criteria provided, single submitter. Criteria: GeneDx Variant Classification Process June 2021. Collection method: clinical testing. Allele origin: germline. Affected: yes.
Comment: Has not been previously published as pathogenic or benign to our knowledge; Not observed at significant frequency in large population cohorts (gnomAD); In silico analysis supports that this missense variant does not alter protein structure/function

NM_004370.6(COL12A1):c.5873C>G (p.Pro1958Arg)

Gene: COL12A1 (collagen type XII alpha 1 chain; minus strand). Cytogenetic location: 6q13.
Variant type: single nucleotide variant.
Coding change: c.5873C>G on transcript NM_004370.6 (MANE Select); coding-DNA position 5873, C replaced by G.
Protein change: p.Pro1958Arg; replaces proline 1958 with arginine.
Molecular consequence: missense variant.
Genome position (GRCh38, 1-based): chr6:75,132,004, G>C on the plus strand (C>G on the coding strand, the complement: COL12A1 is on the minus strand). VCF-style: chr6-75132004-G-C. GRCh37 (hg19) VCF-style: chr6-75841720-G-C.
Other names: c.2381C>G, p.Pro794Arg (NM_080645.3); short protein forms P1958R, P794R.
Identifiers: ClinVar variation 580676 (VCV000580676.10), dbSNP rs755452261, ClinGen allele CA3892979.